The following is an entry in ClinVar:

ClinVar aggregate classification (germline): Uncertain significance (1 of 4 stars; one submission).

Conditions:
Regional enteritis. Also called: Enteritis, Granulomatous. Identifiers: MedGen C0678202, MeSH D003424.
Blau syndrome (BLAUS). Also called: JABS SYNDROME; ARTHROCUTANEOUVEAL GRANULOMATOSIS; GRANULOMATOSIS, FAMILIAL JUVENILE SYSTEMIC; GRANULOMATOSIS, FAMILIAL, BLAU TYPE; GRANULOMATOUS INFLAMMATORY ARTHRITIS, DERMATITIS, AND UVEITIS, FAMILIAL. Identifiers: Orphanet 90340, MedGen C5201146, MONDO:0008523, OMIM 186580.

Allele frequency attached by ClinVar (database versions not stated): ExAC 0.00002; gnomAD exomes 0.00004 and 0.00006; TOPMed 0.00006; gnomAD 0.00007.
gnomAD v4.1: 96 of 1,614,002 alleles (0.0059%); highest among the groups gnomAD compares: Non-Finnish European, 0.0069%; no homozygotes.

Submission:

Labcorp Genetics (formerly Invitae), Labcorp
Classification: Uncertain significance for Regional enteritis; Blau syndrome. Last evaluated: 2025-12-17. Review status: criteria provided, single submitter. Criteria: Invitae Variant Classification Sherloc (09022015). Collection method: clinical testing. Allele origin: germline.
Comment: This sequence change replaces tyrosine, which is neutral and polar, with cysteine, which is neutral and slightly polar, at codon 240 of the NOD2 protein (p.Tyr240Cys). This variant is present in population databases (rs202190367, gnomAD 0.007%). This variant has not been reported in the literature in individuals affected with NOD2-related conditions. ClinVar contains an entry for this variant (Variation ID: 649593). Invitae Evidence Modeling of protein sequence and biophysical properties (such as structural, functional, and spatial information, amino acid conservation, physicochemical variation, residue mobility, and thermodynamic stability) has been performed for this missense variant. However, the output from this modeling did not meet the statistical confidence thresholds required to predict the impact of this variant on NOD2 protein function. In summary, the available evidence is currently insufficient to determine the role of this variant in disease. Therefore, it has been classified as a Variant of Uncertain Significance.

NM_001370466.1(NOD2):c.638A>G (p.Tyr213Cys)

Gene: NOD2 (nucleotide binding oligomerization domain containing 2; plus strand). Cytogenetic location: 16q12.1.
Variant type: single nucleotide variant.
Coding change: c.638A>G on transcript NM_001370466.1 (MANE Select); coding-DNA position 638, A replaced by G.
Protein change: p.Tyr213Cys; replaces tyrosine 213 with cysteine.
Molecular consequence: missense variant. On other transcripts: non-coding transcript variant (1).
Genome position (GRCh38, 1-based): chr16:50,710,630, A>G. VCF-style: chr16-50710630-A-G. GRCh37 (hg19) VCF-style: chr16-50744541-A-G.
Other names: c.638A>G, p.Tyr213Cys (NM_001293557.2); c.719A>G, p.Tyr240Cys (NM_022162.3); short protein forms Y213C, Y240C.
Identifiers: ClinVar variation 649593 (VCV000649593.9), dbSNP rs202190367, ClinGen allele CA8051381.